The following is an entry in ClinVar:

ClinVar aggregate classification (germline): Uncertain significance (1 of 4 stars; one submission).

Allele frequency attached by ClinVar (database versions not stated): TOPMed 0.00001 and below 0.00001.
gnomAD v4.1: 1 of 1,613,418 alleles (0.000062%); no homozygotes.

Submission:

Laboratory for Molecular Medicine, Mass General Brigham Personalized Medicine
Classification: Uncertain significance. Last evaluated: 2013-03-18. Review status: criteria provided, single submitter. Criteria: LMM Criteria. Collection method: clinical testing. Allele origin: germline. Observed: 1 variant allele.
Comment: Variant classified as Uncertain Significance - Favor Benign. The His287Tyr varia nt in MYH9 has not been reported in affected individuals or in large population studies. This variant is not well conserved across species and computational ana lyses (biochemical amino acid properties, AlignGVGD, PolyPhen2, and SIFT) sugges t that the His287Tyr variant may not impact the protein. However, this informati on is not predictive enough to rule out pathogenicity. In summary, the clinical significance of this variant cannot be determined with certainty; however based upon conservation data and computational predictions, we would lean towards a mo re likely benign role.

NM_002473.6(MYH9):c.859C>T (p.His287Tyr)

Gene: MYH9 (myosin heavy chain 9; minus strand). Cytogenetic location: 22q12.3.
Variant type: single nucleotide variant.
Coding change: c.859C>T on transcript NM_002473.6 (MANE Select); coding-DNA position 859, C replaced by T.
Protein change: p.His287Tyr; replaces histidine 287 with tyrosine.
Molecular consequence: missense variant.
Genome position (GRCh38, 1-based): chr22:36,320,807, G>A on the plus strand (C>T on the coding strand, the complement: MYH9 is on the minus strand). VCF-style: chr22-36320807-G-A. GRCh37 (hg19) VCF-style: chr22-36716852-G-A.
Other names: short protein forms H287Y.
Identifiers: ClinVar variation 164461 (VCV000164461.4), dbSNP rs727503291, ClinGen allele CA177147.